The following is an entry in ClinVar:

NM_005585.5(SMAD6):c.446C>T (p.Ala149Val)

Gene: SMAD6 (SMAD family member 6; plus strand). Cytogenetic location: 15q22.31.
Variant type: single nucleotide variant.
Coding change: c.446C>T on transcript NM_005585.5 (MANE Select); coding-DNA position 446, C replaced by T.
Protein change: p.Ala149Val; replaces alanine 149 with valine.
Molecular consequence: missense variant. On other transcripts: non-coding transcript variant (1).
Genome position (GRCh38, 1-based): chr15:66,703,704, C>T. VCF-style: chr15-66703704-C-T. GRCh37 (hg19) VCF-style: chr15-66996042-C-T.
Other names: short protein forms A149V.
Identifiers: ClinVar variation 1023167 (VCV001023167.9), dbSNP rs535980291, ClinGen allele CA7626467.
Genomic context (GRCh38, chr15:66,703,704, plus strand): 5'-TTTCGGAGCGGGACGCCGCCGGCGCGCCCCGGGACGCCAGCGACCCCCTGGCCGGGGCGG[C>T]CCTGGAGCCGGCGGGCGGCGGGCGGAGTCGCGAAGCGCGCTCGCGGCTGCTGCTGCTGGA-3'
Protein context (NP_005576.3, residues 139-159): RDASDPLAGA[Ala149Val]LEPAGGGRSR

ClinVar aggregate classification (germline): Uncertain significance (1 of 4 stars; one submission).

Conditions:
Aortic valve disease 2 (AOVD2). Identifiers: MedGen C3542024, MONDO:0013902, OMIM 614823.

Allele frequency attached by ClinVar (database versions not stated): ExAC below 0.00001; gnomAD 0.00001; TOPMed 0.00002; 1000 Genomes Project 30x 0.00016; 1000 Genomes Project 0.00020.
gnomAD v4.1: 9 of 1,340,914 alleles (0.00067%); highest among the groups gnomAD compares: East Asian, 0.02%; no homozygotes.

Submission:

Labcorp Genetics (formerly Invitae), Labcorp
Classification: Uncertain significance for Aortic valve disease 2. Last evaluated: 2020-06-10. Review status: criteria provided, single submitter. Criteria: Invitae Variant Classification Sherloc (09022015). Collection method: clinical testing. Allele origin: germline.
Comment: The frequency data for this variant in the population databases is considered unreliable, as metrics indicate poor data quality at this position in the ExAC database. This sequence change replaces alanine with valine at codon 149 of the SMAD6 protein (p.Ala149Val). The alanine residue is weakly conserved and there is a small physicochemical difference between alanine and valine. This variant has not been reported in the literature in individuals with SMAD6-related conditions. In summary, the available evidence is currently insufficient to determine the role of this variant in disease. Therefore, it has been classified as a Variant of Uncertain Significance. Algorithms developed to predict the effect of missense changes on protein structure and function (SIFT, PolyPhen-2, Align-GVGD) all suggest that this variant is likely to be tolerated, but these predictions have not been confirmed by published functional studies and their clinical significance is uncertain.